The following is an entry in ClinVar:

NM_014795.4(ZEB2):c.2352T>C (p.Ser784=)

Gene: ZEB2 (zinc finger E-box binding homeobox 2; minus strand). Cytogenetic location: 2q22.3.
Variant type: single nucleotide variant.
Coding change: c.2352T>C on transcript NM_014795.4 (MANE Select); coding-DNA position 2352, T replaced by C.
Protein change: p.Ser784=; no amino-acid change (serine 784 retained).
Molecular consequence: synonymous variant.
Genome position (GRCh38, 1-based): chr2:144,398,835, A>G on the plus strand (T>C on the coding strand, the complement: ZEB2 is on the minus strand). VCF-style: chr2-144398835-A-G. GRCh37 (hg19) VCF-style: chr2-145156402-A-G.
Other names: c.2280T>C, p.Ser760= (NM_001171653.2).
Identifiers: ClinVar variation 160321 (VCV000160321.18), dbSNP rs201990887, ClinGen allele CA272824.

ClinVar aggregate classification (germline): Conflicting classifications of pathogenicity. Review status: criteria provided, conflicting classifications (1 of 4 stars). 4 submissions from 4 submitters: Uncertain significance (1); Likely benign (3). Last evaluated 2025-11-17.

Conditions:
Mowat-Wilson syndrome (MOWS). Also called: Classic Mowat-Wilson Syndrome. Identifiers: Orphanet 2152, MedGen C1856113, MONDO:0009341, OMIM 235730.

Allele frequency attached by ClinVar (database versions not stated): gnomAD exomes 0.00001 and 0.00002; ExAC 0.00002.
gnomAD v4.1: 9 of 1,614,174 alleles (0.00056%); highest among the groups gnomAD compares: East Asian, 0.0022%; no homozygotes.

Submissions (4):

Labcorp Genetics (formerly Invitae), Labcorp
Classification: Likely benign for Mowat-Wilson syndrome. Last evaluated: 2025-11-17. Review status: criteria provided, single submitter. Criteria: Invitae Variant Classification Sherloc (09022015). Collection method: clinical testing. Allele origin: germline.

Genome-Nilou Lab
Classification: Likely benign for Mowat-Wilson syndrome. Last evaluated: 2021-11-07. Review status: criteria provided, single submitter. Criteria: ACMG Guidelines, 2015. Collection method: clinical testing. Allele origin: germline. Affected: no.

GeneDx
Classification: Likely benign. Last evaluated: 2017-11-14. Review status: criteria provided, single submitter. Criteria: GeneDx Variant Classification (06012015). Collection method: clinical testing. Allele origin: germline. Affected: yes.
Comment: This variant is considered likely benign or benign based on one or more of the following criteria: it is a conservative change, it occurs at a poorly conserved position in the protein, it is predicted to be benign by multiple in silico algorithms, and/or has population frequency not consistent with disease.

Genetic Services Laboratory, University of Chicago
Classification: Uncertain significance for Mowat-Wilson syndrome. Last evaluated: 2014-05-06. Review status: criteria provided, single submitter. Criteria: ACMG Guidelines, 2015. Collection method: clinical testing. Allele origin: germline. Inheritance: Autosomal dominant inheritance.